The following is an entry in ClinVar:

ClinVar aggregate classification (germline): Benign/Likely benign. Review status: criteria provided, multiple submitters, no conflicts (2 of 4 stars). 6 submissions from 6 submitters: Benign (1); Likely benign (5). Last evaluated 2026-01-25.

Conditions:
Arrhythmogenic cardiomyopathy with wooly hair and keratoderma. Also called: Dilated cardiomyopathy with woolly hair and keratoderma; Arrhythmogenic cardiomyopathy with woolly hair and keratoderma; PALMOPLANTAR KERATODERMA WITH LEFT VENTRICULAR CARDIOMYOPATHY AND WOOLLY HAIR; Carvajal syndrome. Identifiers: Orphanet 65282, MedGen C1854063, MONDO:0011581, OMIM 605676.
Arrhythmogenic right ventricular dysplasia 8 (ARVD8). Also called: Arrhythmogenic Right Ventricular Dysplasia/Cardiomyopathy 8; ARRHYTHMOGENIC RIGHT VENTRICULAR DYSPLASIA, FAMILIAL, 8; ARRHYTHMOGENIC RIGHT VENTRICULAR CARDIOMYOPATHY 8. Identifiers: MedGen C1843896, MONDO:0011831, OMIM 607450.
DSP-related disorder. Also called: DSP-related condition; DSP-related disorders.
Cardiovascular phenotype. Identifiers: MedGen CN230736.
Cardiomyopathy (CMYO). Also called: Cardiomyopathies. Identifiers: Orphanet 167848, MedGen C0878544, MONDO:0004994, HP:0001638. Inheritance: Various modes of inheritance.

Allele frequency attached by ClinVar (database versions not stated): gnomAD exomes 0.00001; ExAC 0.00003; TOPMed 0.00010; gnomAD 0.00011 and 0.00014; ESP Exome Variant Server 0.00015.
gnomAD v4.1: 48 of 1,614,084 alleles (0.003%); highest among the groups gnomAD compares: African/African-American, 0.045%; no homozygotes.

Submissions (6):

Labcorp Genetics (formerly Invitae), Labcorp
Classification: Benign for Arrhythmogenic cardiomyopathy with wooly hair and keratoderma; Arrhythmogenic right ventricular dysplasia 8. Last evaluated: 2026-01-25. Review status: criteria provided, single submitter. Criteria: Invitae Variant Classification Sherloc (09022015). Collection method: clinical testing. Allele origin: germline.

PreventionGenetics, part of Exact Sciences
Classification: Likely benign for DSP-related condition. Last evaluated: 2025-04-23. Review status: criteria provided, single submitter. Criteria: ACMG Guidelines, 2015. Collection method: clinical testing. Allele origin: germline.
Comment: This variant is classified as likely benign based on ACMG/AMP sequence variant interpretation guidelines (Richards et al. 2015 PMID: 25741868, with internal and published modifications).

Women's Health and Genetics/Laboratory Corporation of America, LabCorp
Classification: Likely benign. Last evaluated: 2024-12-06. Review status: criteria provided, single submitter. Criteria: LabCorp Variant Classification Summary - May 2015. Collection method: clinical testing. Allele origin: germline.

ARUP Laboratories, Molecular Genetics and Genomics, ARUP Laboratories
Classification: Likely benign. Last evaluated: 2023-11-03. Review status: criteria provided, single submitter. Criteria: ARUP Molecular Germline Variant Investigation Process 2024. Collection method: clinical testing. Allele origin: germline.

Ambry Genetics
Classification: Likely benign for Cardiovascular phenotype. Last evaluated: 2021-11-08. Review status: criteria provided, single submitter. Criteria: Ambry Variant Classification Scheme 2023. Collection method: clinical testing. Allele origin: germline.

Color Diagnostics, LLC DBA Color Health
Classification: Likely benign for Cardiomyopathy. Last evaluated: 2020-11-16. Review status: criteria provided, single submitter. Criteria: ACMG Guidelines, 2015. Collection method: clinical testing. Allele origin: germline.

NM_004415.4(DSP):c.687C>T (p.Gly229=)

Gene: DSP (desmoplakin; plus strand). Cytogenetic location: 6p24.3.
Variant type: single nucleotide variant.
Coding change: c.687C>T on transcript NM_004415.4 (MANE Select); coding-DNA position 687, C replaced by T.
Protein change: p.Gly229=; no amino-acid change (glycine 229 retained).
Molecular consequence: synonymous variant.
Genome position (GRCh38, 1-based): chr6:7,562,741, C>T. VCF-style: chr6-7562741-C-T. GRCh37 (hg19) VCF-style: chr6-7562974-C-T.
Other names: c.687C>T, p.Gly229= (NM_001008844.3, NM_001319034.2); c.687C>T (NM_004415.3, LRG_423t1).
Identifiers: ClinVar variation 572619 (VCV000572619.23), dbSNP rs112877191, ClinGen allele CA048561.
Genomic context (GRCh38, chr6:7,562,741, plus strand): 5'-GGACCTGGCCTCAGTGGAGCAGCACATTAACAGCCACCGGGGCATCCACAACTCCATCGG[C>T]GACTATCGCTGGCAGCTGGACAAAATCAAAGCCGACCTGGTACTTGTCTGTGTTTCATTT-3'
Protein context (NP_004406.2, residues 219-239): NSHRGIHNSI[Gly229=]DYRWQLDKIK